The following is an entry in ClinVar:

NM_006118.4(HAX1):c.432del (p.Leu145fs)

Gene: HAX1 (HCLS1 associated protein X-1; plus strand). Cytogenetic location: 1q21.3.
Variant type: Deletion.
Coding change: c.432del on transcript NM_006118.4 (MANE Select); coding-DNA position 432, one base deleted (C; older notation c.432delC).
Protein change: p.Leu145fs; shifts the reading frame from leucine 145.
Molecular consequence: frameshift variant.
Genome position (GRCh38, 1-based): chr1:154,273,889, C deleted. VCF-style (leftmost placement, unchanged base first): chr1-154273888-TC-T. GRCh37 (hg19) VCF-style: chr1-154246364-TC-T.
Other names: c.288del, p.Leu97fs (NM_001018837.2); short protein forms L145fs, L97fs.
Identifiers: ClinVar variation 2806834 (VCV002806834.3), dbSNP rs2524934196, ClinGen allele CA2648140952.

ClinVar aggregate classification (germline): Pathogenic (1 of 4 stars; one submission).

Conditions:
Kostmann syndrome (SCN3). Also called: Autosomal recessive severe congenital neutropenia type 3; KOSTMANN DISEASE. Identifiers: Orphanet 99749, MedGen C5235141, MONDO:0012548, OMIM 610738.

Submission:

Labcorp Genetics (formerly Invitae), Labcorp
Classification: Pathogenic for Kostmann syndrome. Last evaluated: 2024-01-25. Review status: criteria provided, single submitter. Criteria: Invitae Variant Classification Sherloc (09022015). Collection method: clinical testing. Allele origin: germline.
Comment: This sequence change creates a premature translational stop signal (p.Leu145Trpfs*69) in the HAX1 gene. It is expected to result in an absent or disrupted protein product. Loss-of-function variants in HAX1 are known to be pathogenic (PMID: 17187068). This variant is not present in population databases (gnomAD no frequency). This variant has not been reported in the literature in individuals affected with HAX1-related conditions. For these reasons, this variant has been classified as Pathogenic.

Literature cited by the submitters: PubMed 17187068.